The following is an entry in ClinVar:

NM_001360.3(DHCR7):c.998C>T (p.Ser333Phe)

Gene: DHCR7 (7-dehydrocholesterol reductase; minus strand). Cytogenetic location: 11q13.4.
Variant type: single nucleotide variant.
Coding change: c.998C>T on transcript NM_001360.3 (MANE Select); coding-DNA position 998, C replaced by T.
Protein change: p.Ser333Phe; replaces serine 333 with phenylalanine.
Molecular consequence: missense variant.
Genome position (GRCh38, 1-based): chr11:71,435,805, G>A on the plus strand (C>T on the coding strand, the complement: DHCR7 is on the minus strand). VCF-style: chr11-71435805-G-A. GRCh37 (hg19) VCF-style: chr11-71146851-G-A.
Other names: c.998C>T, p.Ser333Phe (NM_001163817.2); short protein forms S333F.
Identifiers: ClinVar variation 2444619 (VCV002444619.2), dbSNP rs1949273401, ClinGen allele CA381702494.

ClinVar aggregate classification (germline): Likely pathogenic (1 of 4 stars; one submission).

Allele frequency attached by ClinVar (database versions not stated): TOPMed 0.00001.

Submission:

GeneDx
Classification: Likely pathogenic. Last evaluated: 2026-03-29. Review status: criteria provided, single submitter. Criteria: GeneDx Variant Classification Process June 2021. Collection method: clinical testing. Allele origin: germline.
Comment: Not observed at significant frequency in large population cohorts (gnomAD); In silico analysis supports that this missense variant has a deleterious effect on protein structure/function; Has not been previously published as pathogenic or benign to our knowledge